The following is an entry in ClinVar:

ClinVar aggregate classification (germline): Uncertain significance. Review status: criteria provided, multiple submitters, no conflicts (2 of 4 stars). 2 submissions from 2 submitters: Uncertain significance (2). Last evaluated 2025-06-18.

Conditions:
Inborn genetic diseases. Identifiers: MedGen C0950123, MeSH D030342.
Bethlem myopathy 1A. Also called: Bethlem myopathy 1; Bethlem Muscular Dystrophy; MYOPATHY, BENIGN CONGENITAL, WITH CONTRACTURES. Identifiers: Orphanet 610, MedGen CN029274, MONDO:0024530, OMIM 158810.

Allele frequency attached by ClinVar (database versions not stated): gnomAD exomes below 0.00001; TOPMed below 0.00001.
gnomAD v4.1: 3 of 1,614,274 alleles (0.00019%); highest among the groups gnomAD compares: Non-Finnish European, 0.00017%; no homozygotes.

Submissions (2):

Ambry Genetics
Classification: Uncertain significance for Inborn genetic diseases. Last evaluated: 2025-06-18. Review status: criteria provided, single submitter. Criteria: Ambry Variant Classification Scheme 2023. Collection method: clinical testing. Allele origin: germline.

Labcorp Genetics (formerly Invitae), Labcorp
Classification: Uncertain significance for Bethlem myopathy 1A. Last evaluated: 2021-09-12. Review status: criteria provided, single submitter. Criteria: Invitae Variant Classification Sherloc (09022015). Collection method: clinical testing. Allele origin: germline.
Comment: Advanced modeling of protein sequence and biophysical properties (such as structural, functional, and spatial information, amino acid conservation, physicochemical variation, residue mobility, and thermodynamic stability) performed at Invitae indicates that this missense variant is not expected to disrupt COL6A3 protein function. In summary, the available evidence is currently insufficient to determine the role of this variant in disease. Therefore, it has been classified as a Variant of Uncertain Significance. This variant has not been reported in the literature in individuals affected with COL6A3-related conditions. This variant is not present in population databases (ExAC no frequency). This sequence change replaces leucine with methionine at codon 1739 of the COL6A3 protein (p.Leu1739Met). The leucine residue is moderately conserved and there is a small physicochemical difference between leucine and methionine.

NM_004369.4(COL6A3):c.5215C>A (p.Leu1739Met)

Gene: COL6A3 (collagen type VI alpha 3 chain; minus strand). Cytogenetic location: 2q37.3.
Variant type: single nucleotide variant.
Coding change: c.5215C>A on transcript NM_004369.4 (MANE Select); coding-DNA position 5215, C replaced by A.
Protein change: p.Leu1739Met; replaces leucine 1739 with methionine.
Molecular consequence: missense variant.
Genome position (GRCh38, 1-based): chr2:237,366,972, G>T on the plus strand (C>A on the coding strand, the complement: COL6A3 is on the minus strand). VCF-style: chr2-237366972-G-T. GRCh37 (hg19) VCF-style: chr2-238275615-G-T.
Other names: c.3394C>A, p.Leu1132Met (NM_057166.5); c.4597C>A, p.Leu1533Met (NM_057167.4); c.5215C>A (NM_004369.3); short protein forms L1132M, L1533M, L1739M.
Identifiers: ClinVar variation 1495601 (VCV001495601.7), dbSNP rs2077569879, ClinGen allele CA351187962.
Genomic context (GRCh38, chr2:237,366,972, plus strand): 5'-CATCTTCCACCGACTTTCCTCCCGTGATCACAAAGGCAATCTGAGGGACCCGCTGGTCCA[G>T]GCGGCTGCCTGCCTCAGGCACAAAGTGGTTTACCCGCAGGTGCTCAAGGCCCACCTTAGT-3'
Protein context (NP_004360.2, residues 1729-1749): NHFVPEAGSR[Leu1739Met]DQRVPQIAFV